The following is an entry in ClinVar:

ClinVar aggregate classification (germline): Benign/Likely benign. Review status: criteria provided, multiple submitters, no conflicts (2 of 4 stars). 8 submissions from 8 submitters: Benign (1); Likely benign (7). Last evaluated 2025-05-14.

Conditions:
Breast and/or ovarian cancer. Identifiers: MedGen CN221562.
Hereditary cancer-predisposing syndrome. Also called: Neoplastic Syndromes, Hereditary; Hereditary neoplastic syndrome; Tumor predisposition; Hereditary Cancer Syndrome. Identifiers: Orphanet 140162, MedGen C0027672, MeSH D009386, MONDO:0015356.
Lynch syndrome. Identifiers: Orphanet 144, MedGen C4552100, MONDO:0005835. Disease mechanism: loss of function.
Hereditary nonpolyposis colorectal neoplasms. Identifiers: MedGen C0009405, MeSH D003123.
Lynch syndrome 4 (LYNCH4). Also called: Hereditary non-polyposis colorectal cancer, type 4; Colorectal cancer, hereditary nonpolyposis, type 4. Identifiers: Orphanet 144, MedGen C1838333, MONDO:0013699, OMIM 614337. Disease mechanism: loss of function.

Submissions (8):

Quest Diagnostics Nichols Institute San Juan Capistrano
Classification: Likely benign. Last evaluated: 2025-05-14. Review status: criteria provided, single submitter. Criteria: Quest Diagnostics criteria. Collection method: clinical testing. Allele origin: unknown.

Myriad Genetics, Inc.
Classification: Benign for Lynch syndrome 4. Last evaluated: 2025-01-24. Review status: criteria provided, single submitter. Criteria: Myriad Autosomal Dominant, Autosomal Recessive and X-Linked Classification Criteria (2023). Collection method: clinical testing. Allele origin: unknown.
Comment: This variant is considered benign. This variant is a silent/synonymous amino acid change and it is not expected to impact splicing.

Labcorp Genetics (formerly Invitae), Labcorp
Classification: Likely benign for Hereditary nonpolyposis colorectal neoplasms. Last evaluated: 2024-08-13. Review status: criteria provided, single submitter. Criteria: Invitae Variant Classification Sherloc (09022015). Collection method: clinical testing. Allele origin: germline.

All of Us Research Program, National Institutes of Health
Classification: Likely benign for Lynch syndrome. Last evaluated: 2023-03-04. Review status: criteria provided, single submitter. Criteria: ACMG Guidelines, 2015. Collection method: clinical testing. Allele origin: germline. Inheritance: Autosomal dominant inheritance. Observed: 1 variant allele, 1 heterozygote.
Comment: This study involves interpretation of variants in research participants for the purpose of population health screening. Participant phenotype was not available at the time of variant classification. Additional details can be found in publication PMID: 35346344, PMCID: PMC8962531

Ambry Genetics
Classification: Likely benign for Hereditary cancer-predisposing syndrome. Last evaluated: 2023-02-18. Review status: criteria provided, single submitter. Criteria: Ambry Variant Classification Scheme 2023. Collection method: clinical testing. Allele origin: germline.

CHEO Genetics Diagnostic Laboratory, Children's Hospital of Eastern Ontario
Classification: Likely benign for Breast and/or ovarian cancer. Last evaluated: 2022-07-05. Review status: criteria provided, single submitter. Criteria: ACMG Guidelines, 2015. Collection method: clinical testing. Allele origin: germline.

Color Diagnostics, LLC DBA Color Health
Classification: Likely benign for Hereditary cancer-predisposing syndrome. Last evaluated: 2021-12-14. Review status: criteria provided, single submitter. Criteria: ACMG Guidelines, 2015. Collection method: clinical testing. Allele origin: germline.

Women's Health and Genetics/Laboratory Corporation of America, LabCorp
Classification: Likely benign. Last evaluated: 2020-12-11. Review status: criteria provided, single submitter. Criteria: LabCorp Variant Classification Summary - May 2015. Collection method: clinical testing. Allele origin: germline.
Comment: Variant summary: PMS2 c.384G>T alters a non-conserved nucleotide resulting in a synonymous change. 4/4 computational tools predict no significant impact on normal splicing. However, these predictions have yet to be confirmed by functional studies. The variant was absent in 251138 control chromosomes (gnomAD). The available data on variant occurrences in the general population are insufficient to allow any conclusion about variant significance. To our knowledge, no occurrence of c.384G>T in individuals affected with Lynch Syndrome and no experimental evidence demonstrating its impact on protein function have been reported. No clinical diagnostic laboratories have submitted clinical-significance assessments for this variant to ClinVar after 2014. Based on the evidence outlined above, the variant was classified as likely benign.

NM_000535.7(PMS2):c.384G>T (p.Ser128=)

Gene: PMS2 (PMS1 homolog 2, mismatch repair system component; minus strand). Cytogenetic location: 7p22.1.
Variant type: single nucleotide variant.
Coding change: c.384G>T on transcript NM_000535.7 (MANE Select); coding-DNA position 384, G replaced by T.
Protein change: p.Ser128=; no amino-acid change (serine 128 retained).
Molecular consequence: synonymous variant. On other transcripts: 5 prime UTR variant (8), non-coding transcript variant (1).
Genome position (GRCh38, 1-based): chr7:6,002,606, C>A on the plus strand (G>T on the coding strand, the complement: PMS2 is on the minus strand). VCF-style: chr7-6002606-C-A. GRCh37 (hg19) VCF-style: chr7-6042237-C-A.
Other names: c.-22G>T (NM_001322003.2, NM_001322004.2, NM_001322005.2 and 3 more transcripts); c.384G>T, p.Ser128= (NM_001322006.2, NM_001322014.2); c.66G>T, p.Ser22= (NM_001322007.2, NM_001322008.2); c.-501G>T (NM_001322011.2, NM_001322012.2); c.75G>T, p.Ser25= (NM_001322015.2); c.384G>T (NM_000535.5).
Identifiers: ClinVar variation 992258 (VCV000992258.17), dbSNP rs371342884, ClinGen allele CA453647726.
Genomic context (GRCh38, chr7:6,002,606, plus strand): 5'-GGGGGTTTTCTGGATAATTTTCCCATTGTGATCAAACATCAGTCGAGTTCCAACCTTCGC[C>A]GATGCGTGGCAGGTAGAAATGGTGACATCGCTGTGAGAGAATACCAGGCATGGTGTGTTC-3'
Protein context (NP_000526.2, residues 118-138): SDVTISTCHA[Ser128=]AKVGTRLMFD